The following is an entry in ClinVar:

NM_000059.4(BRCA2):c.2044A>C (p.Ile682Leu)

Gene: BRCA2 (BRCA2 DNA repair associated; plus strand). Cytogenetic location: 13q13.1.
Variant type: single nucleotide variant.
Coding change: c.2044A>C on transcript NM_000059.4 (MANE Select); coding-DNA position 2044, A replaced by C.
Protein change: p.Ile682Leu; replaces isoleucine 682 with leucine.
Molecular consequence: missense variant.
Genome position (GRCh38, 1-based): chr13:32,336,399, A>C. VCF-style: chr13-32336399-A-C. GRCh37 (hg19) VCF-style: chr13-32910536-A-C.
Other names: short protein forms I682L.
Identifiers: ClinVar variation 977696 (VCV000977696.3), dbSNP rs398122738, ClinGen allele CA387768935.

ClinVar aggregate classification (germline): Conflicting classifications of pathogenicity. Review status: criteria provided, conflicting classifications (1 of 4 stars). 2 submissions from 2 submitters: Uncertain significance (1); Likely benign (1). Last evaluated 2023-03-23.

Conditions:
Hereditary cancer-predisposing syndrome. Also called: Neoplastic Syndromes, Hereditary; Hereditary Cancer Syndrome; Tumor predisposition; Hereditary neoplastic syndrome. Identifiers: Orphanet 140162, MedGen C0027672, MeSH D009386, MONDO:0015356.

Submissions (2):

University of Washington Department of Laboratory Medicine, University of Washington
Classification: Likely benign for Hereditary cancer-predisposing syndrome. Last evaluated: 2023-03-23. Review status: criteria provided, single submitter. Criteria: Dines et al. (Genet Med. 2020). Collection method: curation. Allele origin: germline.
Comment: Missense variant in a coldspot region where missense variants are very unlikely to be pathogenic (PMID:31911673).

BRCA2 exon 11 coldspot. Reclassification based on statistical prior probability.

Women's Health and Genetics/Laboratory Corporation of America, LabCorp
Classification: Uncertain significance. Last evaluated: 2020-08-24. Review status: criteria provided, single submitter. Criteria: LabCorp Variant Classification Summary - May 2015. Collection method: clinical testing. Allele origin: germline.
Comment: Variant summary: BRCA2 c.2044A>C (p.Ile682Leu) results in a conservative amino acid change in the encoded protein sequence. Four of five in-silico tools predict a benign effect of the variant on protein function. The variant was absent in 250354 control chromosomes (gnomAD). The available data on variant occurrences in the general population are insufficient to allow any conclusion about variant significance. To our knowledge, no occurrence of c.2044A>C in individuals affected with Hereditary Breast and Ovarian Cancer Syndrome and no experimental evidence demonstrating its impact on protein function have been reported. No clinical diagnostic laboratories have submitted clinical-significance assessments for this variant to ClinVar after 2014. Based on the evidence outlined above, the variant was classified as uncertain significance.